The following is an entry in ClinVar:

ClinVar aggregate classification (germline): Uncertain significance. Review status: criteria provided, multiple submitters, no conflicts (2 of 4 stars). 2 submissions from 2 submitters: Uncertain significance (2). Last evaluated 2024-06-09.

Conditions:
Hereditary cancer-predisposing syndrome. Also called: Neoplastic Syndromes, Hereditary; Tumor predisposition; Hereditary Cancer Syndrome; Hereditary neoplastic syndrome. Identifiers: Orphanet 140162, MedGen C0027672, MeSH D009386, MONDO:0015356.
Gastrointestinal stromal tumor. Also called: Gastrointestinal stromal tumor, somatic; Gastrointestinal stroma tumor. Identifiers: Orphanet 44890, MedGen C0238198, MeSH D046152, MONDO:0011719, OMIM 606764, HP:0100723.

Submissions (2):

Labcorp Genetics (formerly Invitae), Labcorp
Classification: Uncertain significance for Gastrointestinal stromal tumor. Last evaluated: 2024-06-09. Review status: criteria provided, single submitter. Criteria: Invitae Variant Classification Sherloc (09022015). Collection method: clinical testing. Allele origin: germline.
Comment: This sequence change replaces valine, which is neutral and non-polar, with alanine, which is neutral and non-polar, at codon 473 of the KIT protein (p.Val473Ala). This variant is not present in population databases (gnomAD no frequency). This variant has not been reported in the literature in individuals affected with KIT-related conditions. An algorithm developed to predict the effect of missense changes on protein structure and function (PolyPhen-2) suggests that this variant is likely to be tolerated. In summary, the available evidence is currently insufficient to determine the role of this variant in disease. Therefore, it has been classified as a Variant of Uncertain Significance.

Ambry Genetics
Classification: Uncertain significance for Hereditary cancer-predisposing syndrome. Last evaluated: 2024-03-24. Review status: criteria provided, single submitter. Criteria: Ambry Variant Classification Scheme 2023. Collection method: clinical testing. Allele origin: germline.
Comment: The p.V473A variant (also known as c.1418T>C), located in coding exon 9 of the KIT gene, results from a T to C substitution at nucleotide position 1418. The valine at codon 473 is replaced by alanine, an amino acid with similar properties. This amino acid position is conserved. In addition, this alteration is predicted to be tolerated by in silico analysis. Based on the available evidence, the clinical significance of this alteration remains unclear.

NM_000222.3(KIT):c.1418T>C (p.Val473Ala)

Gene: KIT (KIT proto-oncogene, receptor tyrosine kinase; plus strand). Cytogenetic location: 4q12.
Variant type: single nucleotide variant.
Coding change: c.1418T>C on transcript NM_000222.3 (MANE Select); coding-DNA position 1418, T replaced by C.
Protein change: p.Val473Ala; replaces valine 473 with alanine.
Molecular consequence: missense variant.
Genome position (GRCh38, 1-based): chr4:54,725,928, T>C. VCF-style: chr4-54725928-T-C. GRCh37 (hg19) VCF-style: chr4-55592094-T-C.
Other names: c.1418T>C, p.Val473Ala (NM_001385285.1, NM_001385286.1, NM_001093772.2); c.1421T>C, p.Val474Ala (NM_001385288.1, NM_001385290.1, NM_001385292.1 and 1 more transcripts); short protein forms V473A, V474A.
Identifiers: ClinVar variation 3288748 (VCV003288748.3).